The following is an entry in ClinVar:

ClinVar aggregate classification (germline): Pathogenic. Review status: criteria provided, multiple submitters, no conflicts (2 of 4 stars). 3 submissions from 3 submitters: Pathogenic (2). 1 of the submissions does not count toward it. Last evaluated 2023-07-10.

Conditions:
Leukodystrophy, hypomyelinating, 7, with or without oligodontia and/or hypogonadotropic hypogonadism (HLD7). Also called: LEUKOENCEPHALOPATHY, HYPOMYELINATING, WITH ATAXIA AND DELAYED DENTITION; ATAXIA, DELAYED DENTITION, AND HYPOMYELINATION; Ataxia, Delayed Dentition and Hypomyelination (ADDH); LEUKODYSTROPHY, HYPOMYELINATING, 7, WITH OLIGODONTIA; LEUKODYSTROPHY, HYPOMYELINATING, 7, WITH OLIGODONTIA AND HYPOGONADOTROPIC HYPOGONADISM; LEUKODYSTROPHY, HYPOMYELINATING, 7, WITHOUT OLIGODONTIA OR HYPOGONADOTROPIC HYPOGONADISM. Identifiers: Orphanet 137639, Orphanet 447893, Orphanet 447896, Orphanet 77295, Orphanet 88637, MedGen CN034185, MONDO:0011897, OMIM 607694.
POLR3A-related disorder. Also called: POLR3A-related condition; POLR3A-related disorders. Identifiers: MedGen CN378587, MONDO:0700276.

Allele frequency attached by ClinVar (database versions not stated): TOPMed 0.00001.
gnomAD v4.1: 7 of 1,614,084 alleles (0.00043%); highest among the groups gnomAD compares: South Asian, 0.0044%; no homozygotes.

Submissions (3):

Blueprint Genetics
Classification: Pathogenic for POLR3A-related disorders. Last evaluated: 2023-07-10. Review status: criteria provided, single submitter. Criteria: ACMG Guidelines, 2015. Collection method: clinical testing. Allele origin: germline. Affected: yes. Observed: 2 variant alleles.

MyeliNeuroGene Lab, McGill University Health Center Research Institute
Classification: Pathogenic for LEUKODYSTROPHY, HYPOMYELINATING, 7, WITH OR WITHOUT OLIGODONTIA AND/OR HYPOGONADOTROPIC HYPOGONADISM; HLD7. Review status: criteria provided, single submitter. Criteria: ACMG Guidelines, 2015. Collection method: research. Allele origin: inherited. Inheritance: Autosomal recessive inheritance. Affected: no. Observed: 1 variant allele, 1 compound heterozygote.

PreventionGenetics, part of Exact Sciences
Classification: Likely pathogenic for POLR3A-related condition. Last evaluated: 2023-10-26. Review status: no assertion criteria provided. Collection method: clinical testing. Allele origin: germline. Not counted in ClinVar's aggregate classification.
Comment: The POLR3A c.1681C>T variant is predicted to result in premature protein termination (p.Arg561*). This variant was reported in a compound heterozygous individual with POLR3A-related leukodystrophy (P2, Perrier et al 2020. PubMed ID: 32582862). This variant has not been reported in a large population database, indicating this variant is rare. Nonsense variants in POLR3A are expected to be pathogenic. This variant is interpreted as likely pathogenic.

Literature cited by the submitters: PubMed 614258 (cited by MyeliNeuroGene Lab, McGill University Health Center Research Institute).

NM_007055.4(POLR3A):c.1681C>T (p.Arg561Ter)

Gene: POLR3A (RNA polymerase III subunit A; minus strand). Cytogenetic location: 10q22.3.
Variant type: single nucleotide variant.
Coding change: c.1681C>T on transcript NM_007055.4 (MANE Select); coding-DNA position 1681, C replaced by T.
Protein change: p.Arg561Ter; replaces arginine 561 with a stop codon.
Molecular consequence: nonsense.
Genome position (GRCh38, 1-based): chr10:78,009,953, G>A on the plus strand (C>T on the coding strand, the complement: POLR3A is on the minus strand). VCF-style: chr10-78009953-G-A. GRCh37 (hg19) VCF-style: chr10-79769711-G-A.
Other names: short protein forms R561*.
Identifiers: ClinVar variation 684772 (VCV000684772.6), dbSNP rs1472614573, ClinGen allele CA377341082.